The following is an entry in ClinVar:

NM_001035.3(RYR2):c.14472A>C (p.Gly4824=)

Gene: RYR2 (ryanodine receptor 2; plus strand). Cytogenetic location: 1q43.
Variant type: single nucleotide variant.
Coding change: c.14472A>C on transcript NM_001035.3 (MANE Select); coding-DNA position 14472, A replaced by C.
Protein change: p.Gly4824=; no amino-acid change (glycine 4824 retained).
Molecular consequence: synonymous variant.
Genome position (GRCh38, 1-based): chr1:237,819,074, A>C. VCF-style: chr1-237819074-A-C. GRCh37 (hg19) VCF-style: chr1-237982374-A-C.
Identifiers: ClinVar variation 3385882 (VCV003385882.1).

ClinVar aggregate classification (germline): Likely benign (1 of 4 stars; one submission).

Conditions:
Catecholaminergic polymorphic ventricular tachycardia (CVPT). Also called: Catecholamine-induced polymorphic ventricular tachycardia. Identifiers: Orphanet 3286, MedGen C5574922, MONDO:0017990.

gnomAD v4.1: 1 of 1,613,864 alleles (0.000062%); highest among the groups gnomAD compares: Non-Finnish European, 0.000085%; no homozygotes.

Submission:

All of Us Research Program, National Institutes of Health
Classification: Likely benign for Catecholaminergic polymorphic ventricular tachycardia. Last evaluated: 2024-05-14. Review status: criteria provided, single submitter. Criteria: ACMG Guidelines, 2015. Collection method: clinical testing. Allele origin: germline. Inheritance: Autosomal dominant inheritance. Observed: 1 variant allele, 1 heterozygote.
Comment: This study involves interpretation of variants in research participants for the purpose of population health screening. Participant phenotype was not available at the time of variant classification. Additional details can be found in publication PMID: 35346344, PMCID: PMC8962531